The following is an entry in ClinVar:

NM_001351132.2(PEX5):c.16_17delinsGG (p.Leu6Gly)

Gene: PEX5 (peroxisomal biogenesis factor 5; plus strand). Cytogenetic location: 12p13.31.
Variant type: Indel.
Coding change: c.16_17delinsGG on transcript NM_001351132.2 (MANE Select); coding-DNA positions 16 to 17, CT replaced by GG.
Protein change: p.Leu6Gly; replaces leucine 6 with glycine.
Molecular consequence: missense variant.
Genome position (GRCh38, 1-based): chr12:7,190,393-7,190,394, CT replaced by GG. VCF-style: chr12-7190393-CT-GG. GRCh37 (hg19) VCF-style: chr12-7342989-CT-GG.
Other names: c.16_17delinsGG, p.Leu6Gly (NM_001351137.3, NM_001351138.2, NM_001351139.2 and 22 more transcripts); short protein forms L6G.
Identifiers: ClinVar variation 5019017 (VCV005019017.2).

ClinVar aggregate classification (germline): Uncertain significance (1 of 4 stars; one submission).

Conditions:
Peroxisome biogenesis disorder 2B (PBD2B). Identifiers: Orphanet 44, MedGen C3550234, MONDO:0008736, OMIM 202370.
Rhizomelic chondrodysplasia punctata type 5 (RCDP5). Identifiers: Orphanet 468717, MedGen C4225237, MONDO:0014743, OMIM 616716.
Peroxisome biogenesis disorder 2A (Zellweger) (PBD2A). Also called: Cerebrohepatorenal syndrome, variant types. Identifiers: Orphanet 912, MedGen C3550273, MONDO:0008954, OMIM 214110.

Submission:

Juno Genomics, Hangzhou Juno Genomics, Inc
Classification: Uncertain significance for Peroxisome biogenesis disorder 2A (Zellweger); Peroxisome biogenesis disorder 2B; Rhizomelic chondrodysplasia punctata type 5. Review status: criteria provided, single submitter. Criteria: ACMG Guidelines, 2015. Collection method: clinical testing. Allele origin: germline.
Comment: Absent from controls (or at extremely low frequency if recessive) in Genome Aggregation Database.